The following is an entry in ClinVar:

NM_001384140.1(PCDH15):c.19C>A (p.Leu7Ile)

Gene: PCDH15 (protocadherin related 15; minus strand). Cytogenetic location: 10q21.1.
Variant type: single nucleotide variant.
Coding change: c.19C>A on transcript NM_001384140.1 (MANE Select); coding-DNA position 19, C replaced by A.
Protein change: p.Leu7Ile; replaces leucine 7 with isoleucine.
Molecular consequence: missense variant.
Genome position (GRCh38, 1-based): chr10:54,664,244, G>T on the plus strand (C>A on the coding strand, the complement: PCDH15 is on the minus strand). VCF-style: chr10-54664244-G-T. GRCh37 (hg19) VCF-style: chr10-56424004-G-T.
Other names: c.19C>A, p.Leu7Ile (NM_001142763.2, NM_001142764.2, NM_001142765.2 and 14 more transcripts); short protein forms L7I.
Identifiers: ClinVar variation 378323 (VCV000378323.8), dbSNP rs762092314, ClinGen allele CA5506909.

ClinVar aggregate classification (germline): Uncertain significance. Review status: criteria provided, multiple submitters, no conflicts (2 of 4 stars). 4 submissions from 4 submitters: Uncertain significance (3). 1 of the submissions does not count toward it. Last evaluated 2026-06-01.

Conditions:
Usher syndrome type 1F (USH1F). Also called: USHER SYNDROME, TYPE IF. Identifiers: Orphanet 231169, Orphanet 886, MedGen C1865885, MONDO:0011186, OMIM 602083.

Allele frequency attached by ClinVar (database versions not stated): gnomAD 0.00003 and 0.00004; gnomAD exomes 0.00003 and 0.00002; ExAC 0.00005; TOPMed 0.00002.
gnomAD v4.1: 38 of 1,611,602 alleles (0.0024%); highest among the groups gnomAD compares: Admixed American, 0.005%; no homozygotes.

Submissions (4):

CeGaT Center for Human Genetics Tuebingen
Classification: Uncertain significance. Last evaluated: 2026-06-01. Review status: criteria provided, single submitter. Criteria: CeGaT Center For Human Genetics Tuebingen Variant Classification Criteria Version 2. Collection method: clinical testing. Allele origin: germline. Affected: yes. Observed: 1 variant allele.
Comment: PCDH15: PM2, BP4

GeneDx
Classification: Uncertain significance. Last evaluated: 2025-06-27. Review status: criteria provided, single submitter. Criteria: GeneDx Variant Classification Process June 2021. Collection method: clinical testing. Allele origin: germline. Affected: yes.
Comment: In silico analysis suggests that this missense variant does not alter protein structure/function; Has not been previously published as pathogenic or benign to our knowledge

Blueprint Genetics
Classification: Uncertain significance. Last evaluated: 2024-02-23. Review status: criteria provided, single submitter. Criteria: ACMG Guidelines, 2015. Collection method: clinical testing. Allele origin: germline.

Natera, Inc.
Classification: Uncertain significance for Usher syndrome type 1F. Last evaluated: 2019-11-11. Review status: no assertion criteria provided. Collection method: clinical testing. Allele origin: germline. Not counted in ClinVar's aggregate classification.